The following is an entry in ClinVar:

ClinVar aggregate classification (germline): Pathogenic (1 of 4 stars; one submission).

Allele frequency attached by ClinVar (database versions not stated): gnomAD exomes below 0.00001.
gnomAD v4.1: 2 of 1,610,122 alleles (0.00012%); highest among the groups gnomAD compares: Admixed American, 0.0034%; no homozygotes.

Submission:

Labcorp Genetics (formerly Invitae), Labcorp
Classification: Pathogenic. Last evaluated: 2022-07-18. Review status: criteria provided, single submitter. Criteria: Invitae Variant Classification Sherloc (09022015). Collection method: clinical testing. Allele origin: germline.
Comment: ClinVar contains an entry for this variant (Variation ID: 1377427). For these reasons, this variant has been classified as Pathogenic. This variant has not been reported in the literature in individuals affected with MAP3K20-related conditions. This variant is present in population databases (no rsID available, gnomAD 0.003%). This sequence change creates a premature translational stop signal (p.Gln453*) in the MAP3K20 gene. It is expected to result in an absent or disrupted protein product. Loss-of-function variants in MAP3K20 are known to be pathogenic (PMID: 27816943).

Literature cited by the submitters: PubMed 27816943.

NM_016653.3(MAP3K20):c.1357C>T (p.Gln453Ter)

Genes: MAP3K20 (mitogen-activated protein kinase kinase kinase 20; plus strand), MAP3K20-AS1 (MAP3K20 antisense RNA 1; minus strand). Cytogenetic location: 2q31.1.
Variant type: single nucleotide variant.
Coding change: c.1357C>T on transcript NM_016653.3 (MANE Select); coding-DNA position 1357, C replaced by T.
Protein change: p.Gln453Ter; replaces glutamine 453 with a stop codon.
Molecular consequence: nonsense.
Genome position (GRCh38, 1-based): chr2:173,239,494, C>T. VCF-style: chr2-173239494-C-T. GRCh37 (hg19) VCF-style: chr2-174104222-C-T.
Other names: short protein forms Q453*.
Identifiers: ClinVar variation 1377427 (VCV001377427.6), dbSNP rs1469983269, ClinGen allele CA349316131.